The following is an entry in ClinVar:

NM_001292034.3(TAB2):c.548C>T (p.Pro183Leu)

Gene: TAB2 (TGF-beta activated kinase 1 (MAP3K7) binding protein 2; plus strand). Cytogenetic location: 6q25.1.
Variant type: single nucleotide variant.
Coding change: c.548C>T on transcript NM_001292034.3 (MANE Select); coding-DNA position 548, C replaced by T.
Protein change: p.Pro183Leu; replaces proline 183 with leucine.
Molecular consequence: missense variant.
Genome position (GRCh38, 1-based): chr6:149,378,463, C>T. VCF-style: chr6-149378463-C-T. GRCh37 (hg19) VCF-style: chr6-149699599-C-T.
Other names: c.452C>T, p.Pro151Leu (NM_001292035.3); c.548C>T, p.Pro183Leu (NM_001369506.1, NM_015093.6); short protein forms P151L, P183L.
Identifiers: ClinVar variation 1708259 (VCV001708259.2), dbSNP rs2483386818, ClinGen allele CA365995091.
Genomic context (GRCh38, chr6:149,378,463, plus strand): 5'-GAACATCTAGCCTTTCTCAACAAACTCCCAGATTTAATCCCATTATGGTAACTTTAGCCC[C>T]AAATATCCAGACTGGTCGTAATACTCCTACATCTTTGCACATACATGGTGTACCTCCACC-3'
Protein context (NP_001278963.1, residues 173-193): RFNPIMVTLA[Pro183Leu]NIQTGRNTPT

ClinVar aggregate classification (germline): Likely pathogenic (1 of 4 stars; one submission).

Conditions:
Congenital heart defects, multiple types, 2 (CHTD2). Also called: Congenital heart defects, nonsyndromic, 2. Identifiers: Orphanet 664401, MedGen C3554279, MONDO:0014000, OMIM 614980.

Submission:

Genetics Laboratory, UDIAT-Centre Diagnòstic, Hospital Universitari Parc Tauli
Classification: Likely pathogenic for Congenital heart defects, multiple types, 2. Last evaluated: 2022-10-04. Review status: criteria provided, single submitter. Criteria: Parc Tauli Hospital Assertion Criteria 2021. Collection method: clinical testing. Allele origin: de novo. Inheritance: Autosomal dominant inheritance. Affected: yes.
Comment: PM1;PM2_supporting;PM6;PP3